The following is an entry in ClinVar:

NM_017950.4(CCDC40):c.3354C>A (p.Tyr1118Ter)

Genes: CCDC40 (coiled-coil domain 40 molecular ruler complex subunit; plus strand), GAA (alpha glucosidase; plus strand), MIR1268B (microRNA 1268b; plus strand). Cytogenetic location: 17q25.3.
Variant type: single nucleotide variant.
Coding change: c.3354C>A on transcript NM_017950.4 (MANE Select); coding-DNA position 3354, C replaced by A.
Protein change: p.Tyr1118Ter; replaces tyrosine 1118 with a stop codon.
Molecular consequence: nonsense.
Genome position (GRCh38, 1-based): chr17:80,099,700, C>A. VCF-style: chr17-80099700-C-A. GRCh37 (hg19) VCF-style: chr17-78073499-C-A.
Other names: short protein forms Y1118*.
Identifiers: ClinVar variation 195522 (VCV000195522.32), dbSNP rs374909386, ClinGen allele CA275098.

ClinVar aggregate classification (germline): Conflicting classifications of pathogenicity. Review status: criteria provided, conflicting classifications (1 of 4 stars). 8 submissions from 7 submitters: Pathogenic (2); Likely pathogenic (5); Uncertain significance (1). Last evaluated 2026-06-05.

Conditions:
CCDC40-related disorder. Also called: CCDC40-related condition.
Respiratory ciliopathies including non-CF bronchiectasis.
Primary ciliary dyskinesia. Also called: Ciliary dyskinesia. Identifiers: Orphanet 244, MedGen C0008780, MONDO:0016575, HP:0012265.
Primary ciliary dyskinesia 15. Also called: CILIARY DYSKINESIA, PRIMARY, 15, WITH OR WITHOUT SITUS INVERSUS. Identifiers: Orphanet 244, MedGen C3151137, MONDO:0013435, OMIM 613808.

Allele frequency attached by ClinVar (database versions not stated): TOPMed 0.00001.
gnomAD v4.1: 14 of 1,613,670 alleles (0.00087%); highest among the groups gnomAD compares: Non-Finnish European, 0.0012%; no homozygotes.

Submissions (8):

Department of Human Genetics, Hannover Medical School
Classification: Likely pathogenic for Primary ciliary dyskinesia 15. Last evaluated: 2026-06-05. Review status: criteria provided, single submitter. Criteria: ACMG Guidelines, 2015. Collection method: clinical testing. Allele origin: germline. Affected: yes.
Comment: PVS1 moderate, PM2 supporting, PM3 supporting, PP4 moderate

Department of Human Genetics, Hannover Medical School
Classification: Uncertain significance for Primary Ciliary Dyskinesia. Last evaluated: 2026-04-01. Review status: criteria provided, single submitter. Criteria: ACMG Guidelines, 2015. Collection method: research. Allele origin: germline. Affected: yes.
Comment: Classification performed by HerediClassify using the following criteria:['PM2_supporting: Variant occures does not occur as homozygous in gnomAD.', 'PVS1_protein_moderate: Transcript ENST00000397545 is not predicted to undergo NMD. Protein length change of 0.02189141856392296 observed.', "PP4_moderate: The modified PICADAR socre of 4.0 exceeds threshold of 3 achieving 'moderate' evidence strength."]

CeGaT Center for Human Genetics Tuebingen
Classification: Likely pathogenic. Last evaluated: 2026-02-01. Review status: criteria provided, single submitter. Criteria: CeGaT Center For Human Genetics Tuebingen Variant Classification Criteria Version 2. Collection method: clinical testing. Allele origin: germline. Affected: yes. Observed: 1 variant allele.
Comment: CCDC40: PM2, PM3, PVS1:Moderate

Labcorp Genetics (formerly Invitae), Labcorp
Classification: Pathogenic for Primary ciliary dyskinesia. Last evaluated: 2025-08-15. Review status: criteria provided, single submitter. Criteria: Invitae Variant Classification Sherloc (09022015). Collection method: clinical testing. Allele origin: germline.
Comment: This sequence change creates a premature translational stop signal (p.Tyr1118*) in the CCDC40 gene. While this is not anticipated to result in nonsense mediated decay, it is expected to disrupt the last 25 amino acid(s) of the CCDC40 protein. This variant is present in population databases (rs374909386, gnomAD 0.004%). This premature translational stop signal has been observed in individual(s) with primary ciliary dyskinesia (internal data). ClinVar contains an entry for this variant (Variation ID: 195522). For these reasons, this variant has been classified as Pathogenic.

3billion
Classification: Likely pathogenic for Primary ciliary dyskinesia 15. Last evaluated: 2025-04-03. Review status: criteria provided, single submitter. Criteria: ACMG Guidelines, 2015. Collection method: clinical testing. Allele origin: germline. Affected: yes.

NHS Central & South Genomic Laboratory Hub
Classification: Likely pathogenic for Respiratory ciliopathies including non-CF bronchiectasis. Last evaluated: 2024-11-11. Review status: criteria provided, single submitter. Criteria: ACMG Guidelines, 2015. Collection method: clinical testing. Allele origin: germline. Affected: yes.

Blueprint Genetics
Classification: Likely pathogenic for CCDC40-related disorders. Last evaluated: 2024-11-06. Review status: criteria provided, single submitter. Criteria: ACMG Guidelines, 2015. Collection method: clinical testing. Allele origin: germline. Affected: yes. Observed: 4 variant alleles.

Eurofins Ntd Llc (ga)
Classification: Pathogenic. Last evaluated: 2014-06-06. Review status: criteria provided, single submitter. Criteria: EGL Classification Definitions 2015. Collection method: clinical testing. Allele origin: germline. Observed: 2 variant alleles, 2 heterozygotes.